The following is an entry in ClinVar:

NM_017654.4(SAMD9):c.3721G>C (p.Asp1241His)

Gene: SAMD9 (sterile alpha motif domain containing 9; minus strand). Cytogenetic location: 7q21.2.
Variant type: single nucleotide variant.
Coding change: c.3721G>C on transcript NM_017654.4 (MANE Select); coding-DNA position 3721, G replaced by C.
Protein change: p.Asp1241His; replaces aspartic acid 1241 with histidine.
Molecular consequence: missense variant.
Genome position (GRCh38, 1-based): chr7:93,102,377, C>G on the plus strand (G>C on the coding strand, the complement: SAMD9 is on the minus strand). VCF-style: chr7-93102377-C-G. GRCh37 (hg19) VCF-style: chr7-92731690-C-G.
Other names: c.3721G>C, p.Asp1241His (NM_001193307.2); c.3721G>C (NM_017654.3); short protein forms D1241H.
Identifiers: ClinVar variation 1510921 (VCV001510921.11), dbSNP rs141933427, ClinGen allele CA4342648.
Genomic context (GRCh38, chr7:93,102,377, plus strand): 5'-TCAATTTAGTTAAATAAGGAATATAGTTTTTGAGGGCTAATTTATATTCATTGTTTGGAT[C>G]CCCTGGAATATCACTACTTCCTGATACAAAATTGACCATATATCTTTTAGATAGCTCATT-3'
Protein context (NP_060124.2, residues 1231-1251): FVSGSSDIPG[Asp1241His]PNNEYKLALK

ClinVar aggregate classification (germline): Uncertain significance. Review status: criteria provided, multiple submitters, no conflicts (2 of 4 stars). 5 submissions from 5 submitters: Uncertain significance (5). Last evaluated 2026-02-11.

Conditions:
Monosomy 7 myelodysplasia and leukemia syndrome 2. Identifiers: MedGen C5436668, MONDO:0030801, OMIM 619041.
Inborn genetic diseases. Identifiers: MedGen C0950123, MeSH D030342.
SAMD9-related disorder. Also called: SAMD9-related condition.

Allele frequency attached by ClinVar (database versions not stated): gnomAD exomes 0.00008; ExAC 0.00010; TOPMed 0.00012; gnomAD 0.00015 and 0.00016; ESP Exome Variant Server 0.00023.
gnomAD v4.1: 141 of 1,608,120 alleles (0.0088%); highest among the groups gnomAD compares: Non-Finnish European, 0.011%; no homozygotes.

Submissions (5):

St. Jude Molecular Pathology, St. Jude Children's Research Hospital
Classification: Uncertain significance for Monosomy 7 myelodysplasia and leukemia syndrome 2. Last evaluated: 2026-02-11. Review status: criteria provided, single submitter. Criteria: St. Jude Assertion Criteria 2020. Collection method: clinical testing. Allele origin: germline.
Comment: The SAMD9 c.3721G>C p.(Asp1241His) missense change has a maximum subpopulation frequency of 0.02% in gnomAD v2.1.1. The in silico tool REVEL predicts a benign effect on protein function, however in silico predictions have not been found to correlate with syndromic risk and are thus not considered supporting evidence of a pathogenic or benign effect (PMID: 34621053). To our knowledge, this variant has not been reported in individuals with SAMD9-associated conditions. In summary, the evidence currently available is insufficient to determine the clinical significance of this variant. It has therefore been classified as of uncertain significance.

Labcorp Genetics (formerly Invitae), Labcorp
Classification: Uncertain significance. Last evaluated: 2025-12-26. Review status: criteria provided, single submitter. Criteria: Invitae Variant Classification Sherloc (09022015). Collection method: clinical testing. Allele origin: germline.
Comment: This sequence change replaces aspartic acid, which is acidic and polar, with histidine, which is basic and polar, at codon 1241 of the SAMD9 protein (p.Asp1241His). This variant is present in population databases (rs141933427, gnomAD 0.02%). This variant has not been reported in the literature in individuals affected with SAMD9-related conditions. ClinVar contains an entry for this variant (Variation ID: 1510921). Invitae Evidence Modeling of protein sequence and biophysical properties (such as structural, functional, and spatial information, amino acid conservation, physicochemical variation, residue mobility, and thermodynamic stability) indicates that this missense variant is not expected to disrupt SAMD9 protein function with a negative predictive value of 95%. In summary, the available evidence is currently insufficient to determine the role of this variant in disease. Therefore, it has been classified as a Variant of Uncertain Significance.

PreventionGenetics, part of Exact Sciences
Classification: Uncertain significance for SAMD9-related condition. Last evaluated: 2025-08-26. Review status: criteria provided, single submitter. Criteria: ACMG Guidelines, 2015. Collection method: clinical testing. Allele origin: germline.
Comment: The SAMD9 c.3721G>C variant is predicted to result in the amino acid substitution p.Asp1241His. To our knowledge, this variant has not been reported in the literature. This variant is reported in 0.018% of alleles in individuals of European (Non-Finnish) descent in gnomAD. At this time, the clinical significance of this variant is uncertain due to the absence of conclusive functional and genetic evidence.

Ambry Genetics
Classification: Uncertain significance for Inborn genetic diseases. Last evaluated: 2024-11-07. Review status: criteria provided, single submitter. Criteria: Ambry Variant Classification Scheme 2023. Collection method: clinical testing. Allele origin: germline.

GeneDx
Classification: Uncertain significance. Last evaluated: 2024-05-29. Review status: criteria provided, single submitter. Criteria: GeneDx Variant Classification Process June 2021. Collection method: clinical testing. Allele origin: germline.
Comment: In silico analysis indicates that this missense variant does not alter protein structure/function; Has not been previously published as pathogenic or benign to our knowledge